The following is an entry in ClinVar:

NM_003200.5(TCF3):c.1688G>A (p.Arg563His)

Gene: TCF3 (transcription factor 3; minus strand). Cytogenetic location: 19p13.3.
Variant type: single nucleotide variant.
Coding change: c.1688G>A on transcript NM_003200.5 (MANE Select); coding-DNA position 1688, G replaced by A.
Protein change: p.Arg563His; replaces arginine 563 with histidine.
Molecular consequence: missense variant. On other transcripts: intron variant (2).
Genome position (GRCh38, 1-based): chr19:1,615,419, C>T on the plus strand (G>A on the coding strand, the complement: TCF3 is on the minus strand). VCF-style: chr19-1615419-C-T. GRCh37 (hg19) VCF-style: chr19-1615418-C-T.
Other names: c.1685G>A, p.Arg562His (NM_001351778.2); c.1586+267G>A (NM_001136139.4, NM_001351779.2); short protein forms R563H, R562H.
Identifiers: ClinVar variation 3693418 (VCV003693418.2).

ClinVar aggregate classification (germline): Uncertain significance (1 of 4 stars; one submission).

gnomAD v4.1: 18 of 1,613,802 alleles (0.0011%); highest among the groups gnomAD compares: Middle Eastern, 0.016%; no homozygotes.

Submission:

Labcorp Genetics (formerly Invitae), Labcorp
Classification: Uncertain significance. Last evaluated: 2025-09-28. Review status: criteria provided, single submitter. Criteria: Invitae Variant Classification Sherloc (09022015). Collection method: clinical testing. Allele origin: germline.
Comment: This sequence change replaces arginine, which is basic and polar, with histidine, which is basic and polar, at codon 563 of the TCF3 protein (p.Arg563His). This variant is present in population databases (rs372762343, gnomAD 0.005%). This variant has not been reported in the literature in individuals affected with TCF3-related conditions. ClinVar contains an entry for this variant (Variation ID: 3693418). Invitae Evidence Modeling of protein sequence and biophysical properties (such as structural, functional, and spatial information, amino acid conservation, physicochemical variation, residue mobility, and thermodynamic stability) indicates that this missense variant is expected to disrupt TCF3 protein function with a positive predictive value of 80%. In summary, the available evidence is currently insufficient to determine the role of this variant in disease. Therefore, it has been classified as a Variant of Uncertain Significance.